The following is an entry in ClinVar:

ClinVar aggregate classification (germline): Benign/Likely benign. Review status: criteria provided, multiple submitters, no conflicts (2 of 4 stars). 3 submissions from 3 submitters: Benign (1); Likely benign (2). Last evaluated 2024-05-10.

Conditions:
Hereditary cancer-predisposing syndrome. Also called: Tumor predisposition; Hereditary Cancer Syndrome; Hereditary neoplastic syndrome; Neoplastic Syndromes, Hereditary. Identifiers: Orphanet 140162, MedGen C0027672, MeSH D009386, MONDO:0015356.
Ataxia-telangiectasia syndrome (AT). Also called: Cerebello-oculocutaneous telangiectasia; Immunodeficiency with ataxia telangiectasia; ATAXIA-TELANGIECTASIA, FRESNO VARIANT; Ataxia-telangiectasia, complementation group E; Ataxia-telangiectasia, complementation group D; AT, COMPLEMENTATION GROUP C. Identifiers: Orphanet 100, MedGen C0004135, MONDO:0008840, OMIM 208900.
Familial cancer of breast. Also called: Hereditary breast cancer; BREAST CANCER, FAMILIAL; hereditary breast carcinoma. Identifiers: Orphanet 227535, MedGen C0346153, MONDO:0016419, OMIM 114480. Disease mechanism: loss of function.

Submissions (3):

Myriad Genetics, Inc.
Classification: Benign for Familial cancer of breast. Last evaluated: 2024-05-10. Review status: criteria provided, single submitter. Criteria: Myriad Autosomal Dominant, Autosomal Recessive and X-Linked Classification Criteria (2023). Collection method: clinical testing. Allele origin: unknown.
Comment: This variant is considered benign. This variant is a silent/synonymous amino acid change and it is not expected to impact splicing.

Ambry Genetics
Classification: Likely benign for Hereditary cancer-predisposing syndrome. Last evaluated: 2021-11-22. Review status: criteria provided, single submitter. Criteria: Ambry Variant Classification Scheme 2023. Collection method: clinical testing. Allele origin: germline.

Labcorp Genetics (formerly Invitae), Labcorp
Classification: Likely benign for Ataxia-telangiectasia syndrome. Last evaluated: 2021-08-19. Review status: criteria provided, single submitter. Criteria: Invitae Variant Classification Sherloc (09022015). Collection method: clinical testing. Allele origin: germline.

NM_000051.4(ATM):c.2667T>C (p.Tyr889=)

Gene: ATM (ATM serine/threonine kinase; plus strand). Cytogenetic location: 11q22.3.
Variant type: single nucleotide variant.
Coding change: c.2667T>C on transcript NM_000051.4 (MANE Select); coding-DNA position 2667, T replaced by C.
Protein change: p.Tyr889=; no amino-acid change (tyrosine 889 retained).
Molecular consequence: synonymous variant.
Genome position (GRCh38, 1-based): chr11:108,268,438, T>C. VCF-style: chr11-108268438-T-C. GRCh37 (hg19) VCF-style: chr11-108139165-T-C.
Other names: c.2667T>C, p.Tyr889= (NM_001351834.2).
Identifiers: ClinVar variation 1537937 (VCV001537937.11), dbSNP rs2081381578, ClinGen allele CA476673768.